The following is an entry in ClinVar:

NM_004360.5(CDH1):c.736A>C (p.Met246Leu)

Gene: CDH1 (cadherin 1; plus strand). Cytogenetic location: 16q22.1.
Variant type: single nucleotide variant.
Coding change: c.736A>C on transcript NM_004360.5 (MANE Select); coding-DNA position 736, A replaced by C.
Protein change: p.Met246Leu; replaces methionine 246 with leucine.
Molecular consequence: missense variant. On other transcripts: 5 prime UTR variant (2).
Genome position (GRCh38, 1-based): chr16:68,810,245, A>C. VCF-style: chr16-68810245-A-C. GRCh37 (hg19) VCF-style: chr16-68844148-A-C.
Other names: c.736A>C, p.Met246Leu (NM_001317184.2); c.-880A>C (NM_001317185.2); c.-1084A>C (NM_001317186.2); short protein forms M246L.
Identifiers: ClinVar variation 4809949 (VCV004809949.1).

ClinVar aggregate classification (germline): Uncertain significance (1 of 4 stars; one submission).

Conditions:
Hereditary diffuse gastric adenocarcinoma (HDGC). Also called: DIFFUSE GASTRIC AND LOBULAR BREAST CANCER SYNDROME. Identifiers: Orphanet 26106, MedGen C1708349, MONDO:0007648, OMIM 137215.

Submission:

Labcorp Genetics (formerly Invitae), Labcorp
Classification: Uncertain significance for Hereditary diffuse gastric adenocarcinoma. Last evaluated: 2025-05-11. Review status: criteria provided, single submitter. Criteria: Invitae Variant Classification Sherloc (09022015). Collection method: clinical testing. Allele origin: germline.
Comment: This sequence change replaces methionine, which is neutral and non-polar, with leucine, which is neutral and non-polar, at codon 246 of the CDH1 protein (p.Met246Leu). This variant is not present in population databases (gnomAD no frequency). This variant has not been reported in the literature in individuals affected with CDH1-related conditions. An algorithm developed to predict the effect of missense changes on protein structure and function (PolyPhen-2) suggests that this variant is likely to be disruptive. In summary, the available evidence is currently insufficient to determine the role of this variant in disease. Therefore, it has been classified as a Variant of Uncertain Significance.